The following is an entry in ClinVar:

ClinVar aggregate classification (germline): Benign/Likely benign. Review status: criteria provided, multiple submitters, no conflicts (2 of 4 stars). 17 submissions from 17 submitters: Benign (6); Likely benign (9). 2 of the submissions do not count toward it. Last evaluated 2026-01-31.

Conditions:
Breast and/or ovarian cancer. Identifiers: MedGen CN221562.
Hereditary cancer-predisposing syndrome. Also called: Tumor predisposition; Hereditary neoplastic syndrome; Hereditary Cancer Syndrome; Neoplastic Syndromes, Hereditary. Identifiers: Orphanet 140162, MedGen C0027672, MeSH D009386, MONDO:0015356.
Peutz-Jeghers syndrome (PJS). Also called: Peutz-Jeghers polyposis; Periorificial lentiginosis syndrome; POLYPOSIS, HAMARTOMATOUS INTESTINAL; POLYPS-AND-SPOTS SYNDROME. Identifiers: Orphanet 2869, MedGen C0031269, MeSH D010580, MONDO:0008280, OMIM 175200.

Allele frequency attached by ClinVar (database versions not stated): ExAC 0.00017; gnomAD exomes 0.00018 and 0.00004; 1000 Genomes Project 30x 0.00047; 1000 Genomes Project 0.00060; gnomAD 0.00004 and 0.00007; TOPMed 0.00006.
gnomAD v4.1: 75 of 1,609,454 alleles (0.0047%); highest among the groups gnomAD compares: East Asian, 0.16%; no homozygotes.

Submissions (17):

Labcorp Genetics (formerly Invitae), Labcorp
Classification: Benign for Peutz-Jeghers syndrome. Last evaluated: 2026-01-31. Review status: criteria provided, single submitter. Criteria: Invitae Variant Classification Sherloc (09022015). Collection method: clinical testing. Allele origin: germline.

Center for Genomic Medicine, Rigshospitalet, Copenhagen University Hospital
Classification: Likely benign. Last evaluated: 2025-03-04. Review status: criteria provided, single submitter. Criteria: ACMG Guidelines, 2015. Collection method: clinical testing. Allele origin: germline.

All of Us Research Program, National Institutes of Health
Classification: Likely benign for Peutz-Jeghers syndrome. Last evaluated: 2023-12-13. Review status: criteria provided, single submitter. Criteria: ACMG Guidelines, 2015. Collection method: clinical testing. Allele origin: germline. Inheritance: Autosomal dominant inheritance. Observed: 9 variant alleles, 9 heterozygotes.
Comment: This study involves interpretation of variants in research participants for the purpose of population health screening. Participant phenotype was not available at the time of variant classification. Additional details can be found in publication PMID: 35346344, PMCID: PMC8962531

Blueprint Genetics
Classification: Likely benign. Last evaluated: 2023-05-04. Review status: criteria provided, single submitter. Criteria: ACMG Guidelines, 2015. Collection method: clinical testing. Allele origin: germline.

Myriad Genetics, Inc.
Classification: Benign for Peutz-Jeghers syndrome. Last evaluated: 2023-04-14. Review status: criteria provided, single submitter. Criteria: Myriad Autosomal Dominant, Autosomal Recessive and X-Linked Classification Criteria (2023). Collection method: clinical testing. Allele origin: unknown.
Comment: This variant is considered benign. This variant is a silent/synonymous amino acid change and it is not expected to impact splicing.

Quest Diagnostics Nichols Institute San Juan Capistrano
Classification: Benign. Last evaluated: 2023-01-11. Review status: criteria provided, single submitter. Criteria: Quest Diagnostics criteria. Collection method: clinical testing. Allele origin: unknown.

CHEO Genetics Diagnostic Laboratory, Children's Hospital of Eastern Ontario
Classification: Likely benign for Breast and/or ovarian cancer. Last evaluated: 2022-12-21. Review status: criteria provided, single submitter. Criteria: ACMG Guidelines, 2015. Collection method: clinical testing. Allele origin: germline.

Genome-Nilou Lab
Classification: Likely benign for Peutz-Jeghers syndrome. Last evaluated: 2021-07-15. Review status: criteria provided, single submitter. Criteria: ACMG Guidelines, 2015. Collection method: clinical testing. Allele origin: germline. Affected: no.

CeGaT Center for Human Genetics Tuebingen
Classification: Likely benign. Last evaluated: 2021-05-01. Review status: criteria provided, single submitter. Criteria: CeGaT Center For Human Genetics Tuebingen Variant Classification Criteria Version 2. Collection method: clinical testing. Allele origin: germline. Affected: yes. Observed: 1 variant allele.

Sema4
Classification: Benign for Hereditary cancer-predisposing syndrome. Last evaluated: 2020-12-02. Review status: criteria provided, single submitter. Criteria: Sema4 Curation Guidelines. Collection method: curation. Allele origin: germline.

GeneDx
Classification: Likely benign. Last evaluated: 2019-06-07. Review status: criteria provided, single submitter. Criteria: GeneDx Variant Classification Process June 2021. Collection method: clinical testing. Allele origin: germline. Affected: yes.

Women's Health and Genetics/Laboratory Corporation of America, LabCorp
Classification: Benign. Last evaluated: 2018-05-21. Review status: criteria provided, single submitter. Criteria: LabCorp Variant Classification Summary - May 2015. Collection method: clinical testing. Allele origin: germline.
Comment: Variant summary: STK11 c.723T>C alters a non-conserved nucleotide resulting in a synonymous change. 5/5 computational tools predict no significant impact on normal splicing. However, these predictions have yet to be confirmed by functional studies. The observed variant frequency within East Asian control individuals in the gnomAD database is approximately 368 fold above the estimated maximal expected allele frequency for a pathogenic variant in STK11 causing Peutz-Jeghers Syndrome phenotype (6.3e-06), strongly suggesting that the variant is a benign polymorphism found primarily in populations of East Asian origin. To our knowledge, no occurrence of c.723T>C in individuals affected with Peutz-Jeghers Syndrome and no experimental evidence demonstrating its impact on protein function have been reported. Five clinical diagnostic laboratories have submitted clinical-significance assessments for this variant to ClinVar after 2014 and all classified the variant as benign/likely benign. Based on the evidence outlined above, the variant was classified as benign.

Illumina Laboratory Services, Illumina
Classification: Benign for Peutz-Jeghers syndrome. Last evaluated: 2018-01-13. Review status: criteria provided, single submitter. Criteria: ICSL Variant Classification Criteria 13 December 2019. Collection method: clinical testing. Allele origin: germline.
Comment: This variant was observed in the ICSL laboratory as part of a predisposition screen in an ostensibly healthy population. It had not been previously curated by ICSL or reported in the Human Gene Mutation Database (HGMD: prior to June 1st, 2018), and was therefore a candidate for classification through an automated scoring system. Utilizing variant allele frequency, disease prevalence and penetrance estimates, and inheritance mode, an automated score was calculated to assess if this variant is too frequent to cause the disease. Based on the score and internal cut-off values, a variant classified as benign is not then subjected to further curation. The score for this variant resulted in a classification of benign for this disease.

Color Diagnostics, LLC DBA Color Health
Classification: Likely benign for Hereditary cancer-predisposing syndrome. Last evaluated: 2015-04-29. Review status: criteria provided, single submitter. Criteria: ACMG Guidelines, 2015. Collection method: clinical testing. Allele origin: germline.

Ambry Genetics
Classification: Likely benign for Hereditary cancer-predisposing syndrome. Last evaluated: 2014-08-05. Review status: criteria provided, single submitter. Criteria: Ambry Variant Classification Scheme 2023. Collection method: clinical testing. Allele origin: germline.

Counsyl
Classification: Likely benign for Peutz-Jeghers syndrome. Last evaluated: 2015-11-20. Review status: no assertion criteria provided. Collection method: clinical testing. Allele origin: unknown. Not counted in ClinVar's aggregate classification.

Department of Pathology and Laboratory Medicine, Sinai Health System
Classification: Likely benign for Peutz-Jeghers syndrome. Review status: no assertion criteria provided. Collection method: clinical testing. Allele origin: unknown. Affected: yes. Study: The Canadian Open Genetics Repository (COGR). Not counted in ClinVar's aggregate classification.
Comment: The STK11 p.Ala241= variant was identified in 9 of 14,208 proband chromosomes (frequency: 0.0006) from individuals with breast cancer and was present in 48 of 47,462 control chromosomes (frequency: 0.001) from healthy individuals (Momozawa 2018). The variant was identified dbSNP (rs533550278) as â€šÃ„Ãºwith other alleleâ€šÃ„Ã¹, ClinVar (classified as likely benign by Color, Ambry Genetics, GeneDx and 2 other submitters and benign by Invitae) and LOVD 3.0 (observed 4x). The variant was identified in control databases in 45 of 269,908 chromosomes at a frequency of 0.0002 (Genome Aggregation Database Feb 27, 2017). The variant was observed in the following populations: Other in 1 of 6302 chromosomes (freq: 0.0002), East Asian in 44 of 18,736 chromosomes (freq: 0.002); it was not observed in the African, Latino, European, Ashkenazi Jewish, Finnish, and South Asian populations. The p.Ala241= variant is not expected to have clinical significance because it does not result in a change of amino acid and is not located in a known consensus splice site. The variant occurs at a non-highly conserved nucleotide outside of the splicing consensus sequence and in silico or computational prediction software programs (SpliceSiteFinder, MaxEntScan, NNSPLICE, GeneSplicer) do not predict a difference in splicing. In summary, based on the above information the clinical significance of this variant cannot be determined with certainty at this time although we would lean towards a more benign role for this variant. This variant is classified as likely benign.

Literature cited by the submitters: PubMed 30287823 (cited by Quest Diagnostics Nichols Institute San Juan Capistrano).

NM_000455.5(STK11):c.723T>C (p.Ala241=)

Gene: STK11 (serine/threonine kinase 11; plus strand). Cytogenetic location: 19p13.3.
Variant type: single nucleotide variant.
Coding change: c.723T>C on transcript NM_000455.5 (MANE Select); coding-DNA position 723, T replaced by C.
Protein change: p.Ala241=; no amino-acid change (alanine 241 retained).
Molecular consequence: synonymous variant.
Genome position (GRCh38, 1-based): chr19:1,220,706, T>C. VCF-style: chr19-1220706-T-C. GRCh37 (hg19) VCF-style: chr19-1220705-T-C.
Identifiers: ClinVar variation 135927 (VCV000135927.73), dbSNP rs533550278, ClinGen allele CA023253.